The following is an entry in ClinVar:

NM_000512.5(GALNS):c.118G>A (p.Asp40Asn)

Genes: TRAPPC2L (trafficking protein particle complex subunit 2L; plus strand), GALNS (galactosamine (N-acetyl)-6-sulfatase; minus strand), LOC130059762 (ATAC-STARR-seq lymphoblastoid silent region 7883; plus strand). Cytogenetic location: 16q24.3.
Variant type: single nucleotide variant.
Coding change: c.118G>A on transcript NM_000512.5 (MANE Select); coding-DNA position 118, G replaced by A.
Protein change: p.Asp40Asn; replaces aspartic acid 40 with asparagine.
Molecular consequence: missense variant. On other transcripts: 5 prime UTR variant (2).
Genome position (GRCh38, 1-based): chr16:88,856,760, C>T on the plus strand (G>A on the coding strand, the complement: GALNS is on the minus strand). VCF-style: chr16-88856760-C-T. GRCh37 (hg19) VCF-style: chr16-88923168-C-T.
Other names: c.-314G>A (NM_001323543.2); c.-35G>A (NM_001323544.2); short protein forms D40N.
Identifiers: ClinVar variation 1048258 (VCV001048258.6), dbSNP rs1967935603, ClinGen allele CA397100976.

ClinVar aggregate classification (germline): Conflicting classifications of pathogenicity. Review status: criteria provided, conflicting classifications (1 of 4 stars). 2 submissions from 2 submitters: Likely pathogenic (1); Uncertain significance (1). Last evaluated 2023-01-24.

Conditions:
Mucopolysaccharidosis, MPS-IV-A (MPS4A). Also called: Mucopolysaccharidosis type IV A; Mucopolysaccharidosis Type IVA; Morquio syndrome A, mild; MORQUIO SYNDROME A; MPS IVA; mucopolysaccharidosis type 4A. Identifiers: Orphanet 309297, Orphanet 582, MedGen C0086651, MONDO:0009659, OMIM 253000.

Submissions (2):

Labcorp Genetics (formerly Invitae), Labcorp
Classification: Likely pathogenic for Mucopolysaccharidosis, MPS-IV-A. Last evaluated: 2023-01-24. Review status: criteria provided, single submitter. Criteria: Invitae Variant Classification Sherloc (09022015). Collection method: clinical testing. Allele origin: germline.
Comment: In summary, the currently available evidence indicates that the variant is pathogenic, but additional data are needed to prove that conclusively. Therefore, this variant has been classified as Likely Pathogenic. This variant disrupts the p.Asp40 amino acid residue in GALNS. Other variant(s) that disrupt this residue have been determined to be pathogenic (Invitae). This suggests that this residue is clinically significant, and that variants that disrupt this residue are likely to be disease-causing. Algorithms developed to predict the effect of missense changes on protein structure and function are either unavailable or do not agree on the potential impact of this missense change (SIFT: "Deleterious"; PolyPhen-2: "Probably Damaging"; Align-GVGD: "Class C0"). ClinVar contains an entry for this variant (Variation ID: 1048258). This missense change has been observed in individual(s) with mucopolysaccharidosis type IVA (PMID: 24726177, 30980944). This variant is not present in population databases (gnomAD no frequency). This sequence change replaces aspartic acid, which is acidic and polar, with asparagine, which is neutral and polar, at codon 40 of the GALNS protein (p.Asp40Asn).

Laboratory of Diagnosis and Therapy of Lysosomal Disorders, University of Padova
Classification: Uncertain significance for Mucopolysaccharidosis, MPS-IV-A. Last evaluated: 2021-02-01. Review status: criteria provided, single submitter. Criteria: ACMG Guidelines, 2015. Collection method: curation. Allele origin: germline. Affected: yes.
Comment: Located in a mutational hot spot and/or critical and well-established functional domain without benign variation (PM1_moderate); absent from gnomAD v2.1.1 (PM2_moderate); multiple lines of computational evidence support a deleterious effect on the gene (PP3_supporting)

Literature cited by the submitters: PubMed 24726177 (cited by Labcorp Genetics (formerly Invitae), Labcorp and Laboratory of Diagnosis and Therapy of Lysosomal Disorders, University of Padova); PubMed 30980944 (cited by Labcorp Genetics (formerly Invitae), Labcorp and Laboratory of Diagnosis and Therapy of Lysosomal Disorders, University of Padova); PubMed 34387910 (cited by Laboratory of Diagnosis and Therapy of Lysosomal Disorders, University of Padova).